The following is an entry in ClinVar:

ClinVar aggregate classification (germline): Uncertain significance (0 of 4 stars; one submission).

Conditions:
VPS13B-related disorder. Also called: VPS13B-related condition.

gnomAD v4.1: 1 of 1,613,898 alleles (0.000062%); highest among the groups gnomAD compares: African/African-American, 0.0013%; no homozygotes.

Submission:

PreventionGenetics, part of Exact Sciences
Classification: Uncertain significance for VPS13B-related condition. Last evaluated: 2023-12-19. Review status: no assertion criteria provided. Collection method: clinical testing. Allele origin: germline.
Comment: The VPS13B c.1815A>T variant is predicted to result in the amino acid substitution p.Glu605Asp. To our knowledge, this variant has not been reported in the literature or in a large population database, indicating this variant is rare. At this time, the clinical significance of this variant is uncertain due to the absence of conclusive functional and genetic evidence.

NM_152564.5(VPS13B):c.1815A>T (p.Glu605Asp)

Gene: VPS13B (vacuolar protein sorting 13 homolog B; plus strand). Cytogenetic location: 8q22.2.
Variant type: single nucleotide variant.
Coding change: c.1815A>T on transcript NM_152564.5 (MANE Select); coding-DNA position 1815, A replaced by T.
Protein change: p.Glu605Asp; replaces glutamic acid 605 with aspartic acid.
Molecular consequence: missense variant.
Genome position (GRCh38, 1-based): chr8:99,143,137, A>T. VCF-style: chr8-99143137-A-T. GRCh37 (hg19) VCF-style: chr8-100155365-A-T.
Other names: c.1815A>T, p.Glu605Asp (NM_015243.3, NM_017890.5); short protein forms E605D.
Identifiers: ClinVar variation 3354233 (VCV003354233.1).